The following is an entry in ClinVar:

NM_006440.5(TXNRD2):c.896G>A (p.Ser299Asn)

Gene: TXNRD2 (thioredoxin reductase 2; minus strand). Cytogenetic location: 22q11.21.
Variant type: single nucleotide variant.
Coding change: c.896G>A on transcript NM_006440.5 (MANE Select); coding-DNA position 896, G replaced by A.
Protein change: p.Ser299Asn; replaces serine 299 with asparagine.
Molecular consequence: missense variant. On other transcripts: non-coding transcript variant (1).
Genome position (GRCh38, 1-based): chr22:19,895,460, C>T on the plus strand (G>A on the coding strand, the complement: TXNRD2 is on the minus strand). VCF-style: chr22-19895460-C-T. GRCh37 (hg19) VCF-style: chr22-19882983-C-T.
Other names: c.896G>A, p.Ser299Asn (NM_001282512.3); c.893G>A, p.Ser298Asn (NM_001352300.2); c.806G>A, p.Ser269Asn (NM_001352301.2); c.608G>A, p.Ser203Asn (NM_001352302.2); c.800G>A, p.Ser267Asn (NM_001352303.2); short protein forms S299N, S203N, S269N, S267N, S298N.
Identifiers: ClinVar variation 222884 (VCV000222884.3), dbSNP rs779054925, ClinGen allele CA088596.

ClinVar aggregate classification (germline): Uncertain significance (1 of 4 stars; one submission).

Conditions:
Primary dilated cardiomyopathy (DCM). Also called: Dilated Cardiomyopathy. Identifiers: Orphanet 217604, MedGen C0007193, MeSH D002311, MONDO:0005021, HP:0001644. Inheritance: Various modes of inheritance.

Allele frequency attached by ClinVar (database versions not stated): gnomAD 0.00001; gnomAD exomes below 0.00001 and 0.00001; TOPMed below 0.00001; ExAC 0.00001.

Submission:

Labcorp Genetics (formerly Invitae), Labcorp
Classification: Uncertain significance for Primary dilated cardiomyopathy. Last evaluated: 2024-04-24. Review status: criteria provided, single submitter. Criteria: Invitae Variant Classification Sherloc (09022015). Collection method: clinical testing. Allele origin: germline.
Comment: This sequence change replaces serine, which is neutral and polar, with asparagine, which is neutral and polar, at codon 299 of the TXNRD2 protein (p.Ser299Asn). The frequency data for this variant in the population databases is considered unreliable, as metrics indicate poor data quality at this position in the gnomAD database. This variant has not been reported in the literature in individuals affected with TXNRD2-related conditions. ClinVar contains an entry for this variant (Variation ID: 222884). An algorithm developed to predict the effect of missense changes on protein structure and function (PolyPhen-2) suggests that this variant is likely to be tolerated. In summary, the available evidence is currently insufficient to determine the role of this variant in disease. Therefore, it has been classified as a Variant of Uncertain Significance.